The following is an entry in ClinVar:

NM_004612.4(TGFBR1):c.854A>G (p.His285Arg)

Gene: TGFBR1 (transforming growth factor beta receptor 1; plus strand). Cytogenetic location: 9q22.33.
Variant type: single nucleotide variant.
Coding change: c.854A>G on transcript NM_004612.4 (MANE Select); coding-DNA position 854, A replaced by G.
Protein change: p.His285Arg; replaces histidine 285 with arginine.
Molecular consequence: missense variant.
Genome position (GRCh38, 1-based): chr9:99,142,584, A>G. VCF-style: chr9-99142584-A-G. GRCh37 (hg19) VCF-style: chr9-101904866-A-G.
Other names: c.623A>G, p.His208Arg (NM_001130916.3); c.866A>G, p.His289Arg (NM_001306210.2); short protein forms H285R, H289R, H208R.
Identifiers: ClinVar variation 636853 (VCV000636853.9), dbSNP rs1588590331, ClinGen allele CA374230594.
Genomic context (GRCh38, chr9:99,142,584, plus strand): 5'-TCTGTTTTACAGACAATGGTACTTGGACTCAGCTCTGGTTGGTGTCAGATTATCATGAGC[A>G]TGGATCCCTTTTTGATTACTTAAACAGATACACAGTTACTGTGGAAGGAATGATAAAACT-3'
Protein context (NP_004603.1, residues 275-295): QLWLVSDYHE[His285Arg]GSLFDYLNRY

ClinVar aggregate classification (germline): Uncertain significance. Review status: criteria provided, multiple submitters, no conflicts (2 of 4 stars). 3 submissions from 3 submitters: Uncertain significance (3). Last evaluated 2025-07-01.

Conditions:
Loeys-Dietz syndrome (LDS). Identifiers: Orphanet 60030, MedGen C2697932, MONDO:0018954.
Familial thoracic aortic aneurysm and aortic dissection (TAAD). Also called: Thoracic aortic aneurysms and dissections. Identifiers: Orphanet 91387, MedGen C4707243, MONDO:0019625.

Allele frequency attached by ClinVar (database versions not stated): gnomAD exomes below 0.00001.
gnomAD v4.1: 3 of 1,614,102 alleles (0.00019%); highest among the groups gnomAD compares: Non-Finnish European, 0.00017%; no homozygotes.

Submissions (3):

Color Diagnostics, LLC DBA Color Health
Classification: Uncertain significance for Familial thoracic aortic aneurysm and aortic dissection. Last evaluated: 2025-07-01. Review status: criteria provided, single submitter. Criteria: ACMG Guidelines, 2015. Collection method: clinical testing. Allele origin: germline.
Comment: This missense variant replaces histidine with arginine at codon 285 of the TGFBR1 protein. Computational prediction suggests that this variant may not impact protein structure and function. To our knowledge, functional studies have not been reported for this variant. This variant has been reported in an individual suspected to be affected with a connective tissue disorder (PMID: 35903967). This variant has not been identified in the general population by the Genome Aggregation Database (gnomAD). The available evidence is insufficient to determine the role of this variant in disease conclusively. Therefore, this variant is classified as a Variant of Uncertain Significance.

Ambry Genetics
Classification: Uncertain significance for Familial thoracic aortic aneurysm and aortic dissection. Last evaluated: 2024-01-09. Review status: criteria provided, single submitter. Criteria: Ambry Variant Classification Scheme 2023. Collection method: clinical testing. Allele origin: germline.
Comment: The p.H285R variant (also known as c.854A>G), located in coding exon 5 of the TGFBR1 gene, results from an A to G substitution at nucleotide position 854. The histidine at codon 285 is replaced by arginine, an amino acid with highly similar properties. This alteration has been reported in a heritable connective tissue disorder cohort; however, clinical details were limited (Steinle J et al. Am J Med Genet A, 2022 Oct;188:3016-3023). This amino acid position is highly conserved in available vertebrate species. In addition, this alteration is predicted to be deleterious by in silico analysis. Since supporting evidence is limited at this time, the clinical significance of this alteration remains unclear.

All of Us Research Program, National Institutes of Health
Classification: Uncertain significance for Loeys-Dietz syndrome. Last evaluated: 2023-10-02. Review status: criteria provided, single submitter. Criteria: ACMG Guidelines, 2015. Collection method: clinical testing. Allele origin: germline. Inheritance: Autosomal dominant inheritance. Observed: 4 variant alleles, 4 heterozygotes.
Comment: This variant is located in the TGFBR1 protein. Computational prediction suggests that this variant may not impact protein structure and function (internally defined REVEL score threshold <= 0.5, PMID: 27666373). To our knowledge, functional studies have not been reported for this variant. This variant has not been reported in individuals affected with cardiovascular disorders in the literature. This variant has not been identified in the general population by the Genome Aggregation Database (gnomAD). The available evidence is insufficient to determine the role of this variant in disease conclusively. Therefore, this variant is classified as a Variant of Uncertain Significance.

This study involves interpretation of variants in research participants for the purpose of population health screening. Participant phenotype was not available at the time of variant classification. Additional details can be found in publication PMID: 35346344, PMCID: PMC8962531

Literature cited by the submitters: PubMed 35903967 (cited by Color Diagnostics, LLC DBA Color Health and Ambry Genetics).